The following is an entry in ClinVar:

ClinVar aggregate classification (germline): Uncertain significance. Review status: criteria provided, multiple submitters, no conflicts (2 of 4 stars). 2 submissions from 2 submitters: Uncertain significance (2). Last evaluated 2022-12-15.

Conditions:
Hypertrophic cardiomyopathy. Also called: HYPERTROPHIC MYOCARDIOPATHY. Identifiers: Orphanet 217569, MedGen C0007194, MeSH D002312, MONDO:0005045, HP:0001639.

Allele frequency attached by ClinVar (database versions not stated): gnomAD 0.00001; TOPMed 0.00001; ExAC 0.00002.
gnomAD v4.1: 8 of 1,613,382 alleles (0.0005%); highest among the groups gnomAD compares: Admixed American, 0.013%; no homozygotes.

Submissions (2):

Labcorp Genetics (formerly Invitae), Labcorp
Classification: Uncertain significance for Hypertrophic cardiomyopathy. Last evaluated: 2022-12-15. Review status: criteria provided, single submitter. Criteria: Invitae Variant Classification Sherloc (09022015). Collection method: clinical testing. Allele origin: germline.
Comment: This sequence change replaces serine, which is neutral and polar, with cysteine, which is neutral and slightly polar, at codon 1637 of the MYOM1 protein (p.Ser1637Cys). This variant is present in population databases (rs747835445, gnomAD 0.01%). This variant has not been reported in the literature in individuals affected with MYOM1-related conditions. Advanced modeling of protein sequence and biophysical properties (such as structural, functional, and spatial information, amino acid conservation, physicochemical variation, residue mobility, and thermodynamic stability) performed at Invitae indicates that this missense variant is not expected to disrupt MYOM1 protein function. In summary, the available evidence is currently insufficient to determine the role of this variant in disease. Therefore, it has been classified as a Variant of Uncertain Significance.

Ambry Genetics
Classification: Uncertain significance. Last evaluated: 2022-11-27. Review status: criteria provided, single submitter. Criteria: Ambry Variant Classification Scheme 2023. Collection method: clinical testing. Allele origin: germline.
Comment: The p.S1637C variant (also known as c.4909A>T), located in coding exon 37 of the MYOM1 gene, results from an A to T substitution at nucleotide position 4909. The serine at codon 1637 is replaced by cysteine, an amino acid with dissimilar properties. This amino acid position is conserved. In addition, this alteration is predicted to be tolerated by in silico analysis. Since supporting evidence is limited at this time, the clinical significance of this alteration remains unclear.

NM_003803.4(MYOM1):c.4909A>T (p.Ser1637Cys)

Gene: MYOM1 (myomesin 1; minus strand). Cytogenetic location: 18p11.31.
Variant type: single nucleotide variant.
Coding change: c.4909A>T on transcript NM_003803.4 (MANE Select); coding-DNA position 4909, A replaced by T.
Protein change: p.Ser1637Cys; replaces serine 1637 with cysteine.
Molecular consequence: missense variant.
Genome position (GRCh38, 1-based): chr18:3,067,411, T>A on the plus strand (A>T on the coding strand, the complement: MYOM1 is on the minus strand). VCF-style: chr18-3067411-T-A. GRCh37 (hg19) VCF-style: chr18-3067409-T-A.
Other names: c.4621A>T, p.Ser1541Cys (NM_019856.2); short protein forms S1541C, S1637C.
Identifiers: ClinVar variation 2496771 (VCV002496771.5), dbSNP rs747835445, ClinGen allele CA8873728.